The following is an entry in ClinVar:

NM_032444.4(SLX4):c.4067C>A (p.Pro1356Gln)

Gene: SLX4 (SLX4 structure-specific endonuclease subunit; minus strand). Cytogenetic location: 16p13.3.
Variant type: single nucleotide variant.
Coding change: c.4067C>A on transcript NM_032444.4 (MANE Select); coding-DNA position 4067, C replaced by A.
Protein change: p.Pro1356Gln; replaces proline 1356 with glutamine.
Molecular consequence: missense variant.
Genome position (GRCh38, 1-based): chr16:3,589,571, G>T on the plus strand (C>A on the coding strand, the complement: SLX4 is on the minus strand). VCF-style: chr16-3589571-G-T. GRCh37 (hg19) VCF-style: chr16-3639572-G-T.
Other names: short protein forms P1356Q.
Identifiers: ClinVar variation 1495465 (VCV001495465.8), dbSNP rs764254888, ClinGen allele CA394518489.

ClinVar aggregate classification (germline): Uncertain significance (1 of 4 stars; one submission).

Conditions:
Fanconi anemia (FA). Also called: Fanconi's anemia. Identifiers: Orphanet 84, MedGen C0015625, MeSH D005199, MONDO:0019391.

Submission:

Labcorp Genetics (formerly Invitae), Labcorp
Classification: Uncertain significance for Fanconi anemia. Last evaluated: 2020-12-03. Review status: criteria provided, single submitter. Criteria: Invitae Variant Classification Sherloc (09022015). Collection method: clinical testing. Allele origin: germline.
Comment: This variant has not been reported in the literature in individuals with SLX4-related conditions. In summary, the available evidence is currently insufficient to determine the role of this variant in disease. Therefore, it has been classified as a Variant of Uncertain Significance. Algorithms developed to predict the effect of sequence changes on RNA splicing suggest that this variant may create or strengthen a splice site, but this prediction has not been confirmed by published transcriptional studies. Algorithms developed to predict the effect of missense changes on protein structure and function are either unavailable or do not agree on the potential impact of this missense change (SIFT: "Tolerated"; PolyPhen-2: "Probably Damaging"; Align-GVGD: "Class C0"). This variant is not present in population databases (ExAC no frequency). This sequence change replaces proline with glutamine at codon 1356 of the SLX4 protein (p.Pro1356Gln). The proline residue is weakly conserved and there is a moderate physicochemical difference between proline and glutamine.